The following is an entry in ClinVar:

ClinVar aggregate classification (germline): Uncertain significance (1 of 4 stars; one submission).

Conditions:
Dilated cardiomyopathy 1G (CMD1G). Identifiers: Orphanet 154, MedGen C1858763, MONDO:0011400, OMIM 604145.
Autosomal recessive limb-girdle muscular dystrophy type 2J (LGMDR10). Also called: Limb-girdle muscular dystrophy, type 2J; MUSCULAR DYSTROPHY, LIMB-GIRDLE, AUTOSOMAL RECESSIVE 10. Identifiers: Orphanet 140922, MedGen C1837342, MONDO:0012127, OMIM 608807.

Submission:

Labcorp Genetics (formerly Invitae), Labcorp
Classification: Uncertain significance for Dilated cardiomyopathy 1G; Autosomal recessive limb-girdle muscular dystrophy type 2J. Last evaluated: 2022-12-02. Review status: criteria provided, single submitter. Criteria: Invitae Variant Classification Sherloc (09022015). Collection method: clinical testing. Allele origin: germline.
Comment: This variant is located in the M band of TTN (PMID: 25589632). Variants in this region may be relevant for neuromuscular disorders, but have not been definitively shown to cause cardiomyopathy (PMID: 23975875). This sequence change replaces valine, which is neutral and non-polar, with methionine, which is neutral and non-polar, at codon 34168 of the TTN protein (p.Val34168Met). This variant is not present in population databases (gnomAD no frequency). This variant has not been reported in the literature in individuals affected with TTN-related conditions. ClinVar contains an entry for this variant (Variation ID: 1360270). Experimental studies and prediction algorithms are not available or were not evaluated, and the functional significance of this variant is currently unknown. In summary, the available evidence is currently insufficient to determine the role of this variant in disease. Therefore, it has been classified as a Variant of Uncertain Significance.

Literature cited by the submitters: PubMed 25589632; PubMed 23975875.

NM_001267550.2(TTN):c.102502G>A (p.Val34168Met)

Genes: TTN-AS1 (TTN antisense RNA 1; plus strand), TTN (titin; minus strand). Cytogenetic location: 2q31.2.
Variant type: single nucleotide variant.
Coding change: c.102502G>A on transcript NM_001267550.2 (MANE Select); coding-DNA position 102502, G replaced by A.
Protein change: p.Val34168Met; replaces valine 34168 with methionine.
Molecular consequence: missense variant.
Genome position (GRCh38, 1-based): chr2:178,534,113, C>T on the plus strand (G>A on the coding strand, the complement: TTN is on the minus strand). VCF-style: chr2-178534113-C-T. GRCh37 (hg19) VCF-style: chr2-179398840-C-T.
Other names: c.97579G>A, p.Val32527Met (NM_001256850.1); c.75307G>A, p.Val25103Met (NM_003319.4); c.94798G>A, p.Val31600Met (NM_133378.4); c.75682G>A, p.Val25228Met (NM_133432.3); c.75883G>A, p.Val25295Met (NM_133437.4); short protein forms V25295M, V25103M, V34168M, V31600M, V25228M, V32527M.
Identifiers: ClinVar variation 1360270 (VCV001360270.6), dbSNP rs2154135668, ClinGen allele CA349417389.